The following is an entry in ClinVar:

NM_000168.6(GLI3):c.438C>G (p.Tyr146Ter)

Gene: GLI3 (GLI family zinc finger 3; minus strand). Cytogenetic location: 7p14.1.
Variant type: single nucleotide variant.
Coding change: c.438C>G on transcript NM_000168.6 (MANE Select); coding-DNA position 438, C replaced by G.
Protein change: p.Tyr146Ter; replaces tyrosine 146 with a stop codon.
Molecular consequence: nonsense.
Genome position (GRCh38, 1-based): chr7:42,076,787, G>C on the plus strand (C>G on the coding strand, the complement: GLI3 is on the minus strand). VCF-style: chr7-42076787-G-C. GRCh37 (hg19) VCF-style: chr7-42116386-G-C.
Other names: short protein forms Y146*.
Identifiers: ClinVar variation 1699074 (VCV001699074.3), dbSNP rs151222023, ClinGen allele CA367549996.

ClinVar aggregate classification (germline): Pathogenic (1 of 4 stars; one submission).

Conditions:
Polysyndactyly 4. Also called: Polysyndactyly uncomplicated; Preaxial polydactyly 4. Identifiers: Orphanet 93338, MedGen C1868111, MONDO:0008272, OMIM 174700.

Submission:

Victorian Clinical Genetics Services, Murdoch Childrens Research Institute
Classification: Pathogenic for Polysyndactyly 4. Last evaluated: 2020-05-21. Review status: criteria provided, single submitter. Criteria: ACMG Guidelines, 2015. Collection method: clinical testing. Allele origin: germline. Inheritance: Autosomal dominant inheritance. Affected: yes.
Comment: A heterozygous nonsense variant was identified, NM_000168.5(GLI3):c.438C>G in exon 4 of 15 of the GLI3 gene. This nonsense variant is predicted to create a change of tyrosine to a stop at amino acid position 146 of the protein, NP_000159.3(GLI3):p.(Tyr146*), resulting in the loss of normal protein function through nonsense-mediated decay (NMD). The variant is not present in the gnomAD population database and has not been previously reported in clinical cases. Many other variants predicted to cause NMD have been reported as pathogenic (ClinVar). Based on information available at the time of curation, this variant has been classified as PATHOGENIC.